The following is an entry in ClinVar:

NM_018249.6(CDK5RAP2):c.430C>T (p.Arg144Trp)

Gene: CDK5RAP2 (CDK5 regulatory subunit associated protein 2; minus strand). Cytogenetic location: 9q33.2.
Variant type: single nucleotide variant.
Coding change: c.430C>T on transcript NM_018249.6 (MANE Select); coding-DNA position 430, C replaced by T.
Protein change: p.Arg144Trp; replaces arginine 144 with tryptophan.
Molecular consequence: missense variant. On other transcripts: non-coding transcript variant (5).
Genome position (GRCh38, 1-based): chr9:120,539,118, G>A on the plus strand (C>T on the coding strand, the complement: CDK5RAP2 is on the minus strand). VCF-style: chr9-120539118-G-A. GRCh37 (hg19) VCF-style: chr9-123301396-G-A.
Other names: c.430C>T, p.Arg144Trp (NM_001011649.3, NM_001272039.2); short protein forms R144W.
Identifiers: ClinVar variation 915074 (VCV000915074.8), dbSNP rs763240159, ClinGen allele CA374708446.

ClinVar aggregate classification (germline): Uncertain significance. Review status: criteria provided, multiple submitters, no conflicts (2 of 4 stars). 2 submissions from 2 submitters: Uncertain significance (2). Last evaluated 2022-07-06.

Conditions:
Microcephaly 3, primary, autosomal recessive. Identifiers: Orphanet 2512, MedGen C1858108, MONDO:0011488, OMIM 604804.

gnomAD v4.1: 2 of 1,613,846 alleles (0.00012%); highest among the groups gnomAD compares: Non-Finnish European, 0.000085%; no homozygotes.

Submissions (2):

Labcorp Genetics (formerly Invitae), Labcorp
Classification: Uncertain significance. Last evaluated: 2022-07-06. Review status: criteria provided, single submitter. Criteria: Invitae Variant Classification Sherloc (09022015). Collection method: clinical testing. Allele origin: germline.
Comment: This sequence change replaces arginine, which is basic and polar, with tryptophan, which is neutral and slightly polar, at codon 144 of the CDK5RAP2 protein (p.Arg144Trp). This variant is not present in population databases (gnomAD no frequency). This variant has not been reported in the literature in individuals affected with CDK5RAP2-related conditions. ClinVar contains an entry for this variant (Variation ID: 915074). Algorithms developed to predict the effect of missense changes on protein structure and function are either unavailable or do not agree on the potential impact of this missense change (SIFT: "Deleterious"; PolyPhen-2: "Possibly Damaging"; Align-GVGD: "Class C0"). Algorithms developed to predict the effect of sequence changes on RNA splicing suggest that this variant may create or strengthen a splice site. In summary, the available evidence is currently insufficient to determine the role of this variant in disease. Therefore, it has been classified as a Variant of Uncertain Significance.

Illumina Laboratory Services, Illumina
Classification: Uncertain significance for Microcephaly 3, primary, autosomal recessive. Last evaluated: 2018-01-12. Review status: criteria provided, single submitter. Criteria: ICSL Variant Classification Criteria 13 December 2019. Collection method: clinical testing. Allele origin: germline.